The following is an entry in ClinVar:

ClinVar aggregate classification (germline): Pathogenic (1 of 4 stars; one submission).

Conditions:
Hereditary cancer-predisposing syndrome. Also called: Neoplastic Syndromes, Hereditary; Tumor predisposition; Hereditary Cancer Syndrome; Hereditary neoplastic syndrome. Identifiers: Orphanet 140162, MedGen C0027672, MeSH D009386, MONDO:0015356.

Submission:

Ambry Genetics
Classification: Pathogenic for Hereditary cancer-predisposing syndrome. Last evaluated: 2026-03-12. Review status: criteria provided, single submitter. Criteria: Ambry Variant Classification Scheme 2023. Collection method: clinical testing. Allele origin: germline.
Comment: The c.5222delT pathogenic mutation, located in coding exon 34 of the ATM gene, results from a deletion of one nucleotide at nucleotide position 5222, causing a translational frameshift with a predicted alternate stop codon (p.L1741*). This variant is considered to be rare based on population cohorts in the Genome Aggregation Database (gnomAD). This alteration is expected to result in loss of function by premature protein truncation or nonsense-mediated mRNA decay. As such, this alteration is interpreted as a disease-causing mutation.

NM_000051.4(ATM):c.5222del (p.Ile1740_Leu1741insTer)

Gene: ATM (ATM serine/threonine kinase; plus strand). Cytogenetic location: 11q22.3.
Variant type: Deletion.
Coding change: c.5222del on transcript NM_000051.4 (MANE Select); coding-DNA position 5222, one base deleted (T; older notation c.5222delT).
Protein change: p.Ile1740_Leu1741insTer.
Molecular consequence: nonsense.
Genome position (GRCh38, 1-based): chr11:108,301,692, T deleted; the last of 4 consecutive T bases (chr11:108,301,689-108,301,692); deleting any one gives the same sequence. VCF-style (leftmost placement, unchanged base first): chr11-108301688-AT-A. GRCh37 (hg19) VCF-style: chr11-108172415-AT-A.
Other names: c.5222del, p.Ile1740_Leu1741insTer (NM_001351834.2).
Identifiers: ClinVar variation 4841352 (VCV004841352.1).